The following is an entry in ClinVar:

NM_000352.6(ABCC8):c.4477del (p.Arg1493fs)

Gene: ABCC8 (ATP binding cassette subfamily C member 8; minus strand). Cytogenetic location: 11p15.1.
Variant type: Deletion.
Coding change: c.4477del on transcript NM_000352.6 (MANE Select); coding-DNA position 4477, one base deleted (C; older notation c.4477delC).
Protein change: p.Arg1493fs; shifts the reading frame from arginine 1493.
Molecular consequence: frameshift variant. On other transcripts: non-coding transcript variant (1).
Genome position (GRCh38, 1-based): chr11:17,394,334, G deleted on the plus strand (C on the coding strand, the reverse complement: ABCC8 is on the minus strand); the first of 3 consecutive G bases (chr11:17,394,334-17,394,336); deleting any one gives the same sequence. VCF-style (leftmost placement, unchanged base first): chr11-17394333-CG-C. GRCh37 (hg19) VCF-style: chr11-17415880-CG-C.
Other names: c.4477del (NM_000352.5); c.4480del, p.Arg1494fs (NM_001287174.3); c.4543del, p.Arg1515fs (NM_001351295.2); c.4477del, p.Arg1493fs (NM_001351296.2); c.4474del, p.Arg1492fs (NM_001351297.2); short protein forms R1492fs, R1493fs, R1515fs, R1494fs.
Identifiers: ClinVar variation 964449 (VCV000964449.10), dbSNP rs1953791177, ClinGen allele CA1139661847.
Genomic context (GRCh38, chr11:17,394,333, plus strand): 5'-ATGTCAATGGAAGCCGTGGCCTCGTCCATGATGAAGATGCTGGTCTTCCTCACGAAGGCC[CG>C]GGCCAGGCAGAACAGCTGCCTCTGTCCCTGGCTGAAATTCTCCCCGCCTTCTGTGATGAT-3'

ClinVar aggregate classification (germline): Conflicting classifications of pathogenicity. Review status: criteria provided, conflicting classifications (1 of 4 stars). 5 submissions from 4 submitters: Pathogenic (1); Likely pathogenic (2); Uncertain significance (2). Last evaluated 2024-12-05.

Conditions:
Transitory neonatal diabetes mellitus. Also called: Transient neonatal diabetes mellitus. Identifiers: MedGen C0342273, MONDO:0020525, HP:0008255.
Type 2 diabetes mellitus. Also called: Type II diabetes mellitus. Identifiers: MedGen C0011860, MeSH D003924, MONDO:0005148, OMIM 125853, HP:0005978.
Maturity-onset diabetes of the young (MODY). Also called: Maturity onset diabetes mellitus in young. Identifiers: Orphanet 552, MedGen C0342276, MONDO:0018911, HP:0004904.

Submissions (5):

Revvity Omics, Revvity
Classification: Likely pathogenic. Last evaluated: 2024-12-05. Review status: criteria provided, single submitter. Criteria: ACMG Guidelines, 2015. Collection method: clinical testing. Allele origin: germline.

Labcorp Genetics (formerly Invitae), Labcorp
Classification: Pathogenic. Last evaluated: 2023-11-17. Review status: criteria provided, single submitter. Criteria: Invitae Variant Classification Sherloc (09022015). Collection method: clinical testing. Allele origin: germline.
Comment: This sequence change creates a premature translational stop signal (p.Arg1493Glyfs*4) in the ABCC8 gene. It is expected to result in an absent or disrupted protein product. Loss-of-function variants in ABCC8 are known to be pathogenic (PMID: 20685672, 23345197). This variant is not present in population databases (gnomAD no frequency). This variant has not been reported in the literature in individuals affected with ABCC8-related conditions. ClinVar contains an entry for this variant (Variation ID: 964449). For these reasons, this variant has been classified as Pathogenic.

Baylor Genetics
Classification: Likely pathogenic for Type 2 diabetes mellitus. Last evaluated: 2023-03-20. Review status: criteria provided, single submitter. Criteria: ACMG Guidelines, 2015. Collection method: clinical testing. Allele origin: unknown.

Clinical Genomics, Uppaluri K&H Personalized Medicine Clinic
Classification: Uncertain significance for Maturity-onset diabetes of the young. Review status: criteria provided, single submitter. Criteria: K & H Uppaluri Personalized Medicine Clinic Variant Classification & Assertion Criteria_Updated V.1. Collection method: research. Allele origin: somatic. Inheritance: Somatic mutation.
Comment: Mutations in ABCC8 gene are associated with both neonatal diabetes mellitus as well as MODY. Patients with this mutation may have a better response to sulfonylureas. However, no sufficient evidence is found to ascertain the role of this particular variant ( rs1953791177) in MODY yet.

Clinical Genomics, Uppaluri K&H Personalized Medicine Clinic
Classification: Uncertain significance for Transitory neonatal diabetes mellitus. Review status: criteria provided, single submitter. Criteria: K & H Uppaluri Personalized Medicine Clinic Variant Classification & Assertion Criteria_Updated V.1. Collection method: research. Allele origin: somatic. Inheritance: Somatic mutation.
Comment: Mutations in ABCC8 gene are associated with both neonatal diabetes mellitus as well as MODY. Patients with this mutation may have a better response to sulfonylureas. However, no sufficient evidence is found to ascertain the role of this particular variant (rs1953791177 ) in neonatal diabetes yet.

Literature cited by the submitters: PubMed 20685672 (cited by Labcorp Genetics (formerly Invitae), Labcorp); PubMed 23345197 (cited by Labcorp Genetics (formerly Invitae), Labcorp); PubMed 16885549 (cited by Clinical Genomics, Uppaluri K&H Personalized Medicine Clinic); PubMed 21989597 (cited by Clinical Genomics, Uppaluri K&H Personalized Medicine Clinic); PubMed 27538677 (cited by Clinical Genomics, Uppaluri K&H Personalized Medicine Clinic); PubMed 18981553 (cited by Clinical Genomics, Uppaluri K&H Personalized Medicine Clinic); PubMed 32027066 (cited by Clinical Genomics, Uppaluri K&H Personalized Medicine Clinic); PubMed 16613899 (cited by Clinical Genomics, Uppaluri K&H Personalized Medicine Clinic); PubMed 18025408 (cited by Clinical Genomics, Uppaluri K&H Personalized Medicine Clinic); PubMed 32792356 (cited by Clinical Genomics, Uppaluri K&H Personalized Medicine Clinic).